The following is an entry in ClinVar:

ClinVar aggregate classification (germline): Uncertain significance. Review status: criteria provided, multiple submitters, no conflicts (2 of 4 stars). 2 submissions from 2 submitters: Uncertain significance (2). Last evaluated 2022-04-22.

Conditions:
Epilepsy, childhood absence, susceptibility to, 6. Identifiers: Orphanet 64280, MedGen C2749872, MONDO:0012763, OMIM 611942.
Hyperaldosteronism, familial, type IV (HALD4). Also called: FH IV; ALDOSTERONISM, PRIMARY, AND HYPERTENSION. Identifiers: Orphanet 642671, MedGen C4310756, MONDO:0014875, OMIM 617027.
Idiopathic generalized epilepsy. Also called: EIG; Generalised epilepsy. Identifiers: MedGen C0270850, MONDO:0005579, OMIM 600669.

Allele frequency attached by ClinVar (database versions not stated): TOPMed below 0.00001; ExAC 0.00001; gnomAD 0.00001; gnomAD exomes 0.00001.
gnomAD v4.1: 11 of 1,613,422 alleles (0.00068%); highest among the groups gnomAD compares: South Asian, 0.0022%; no homozygotes.

Submissions (2):

Fulgent Genetics
Classification: Uncertain significance for Epilepsy, childhood absence, susceptibility to, 6; Hyperaldosteronism, familial, type IV. Last evaluated: 2022-04-22. Review status: criteria provided, single submitter. Criteria: ACMG Guidelines, 2015. Collection method: clinical testing. Allele origin: unknown.

Labcorp Genetics (formerly Invitae), Labcorp
Classification: Uncertain significance for Idiopathic generalized epilepsy; Hyperaldosteronism, familial, type IV. Last evaluated: 2017-10-18. Review status: criteria provided, single submitter. Criteria: Invitae Variant Classification Sherloc (09022015). Collection method: clinical testing. Allele origin: germline.
Comment: In summary, the available evidence is currently insufficient to determine the role of this variant in disease. Therefore, it has been classified as a Variant of Uncertain Significance. Algorithms developed to predict the effect of missense changes on protein structure and function (SIFT, PolyPhen-2, Align-GVGD) all suggest that this variant is likely to be disruptive, but these predictions have not been confirmed by published functional studies and their clinical significance is uncertain. This variant has not been reported in the literature in individuals with CACNA1H-related disease. This variant is present in population databases (rs745495784, ExAC 0.002%). This sequence change replaces valine with isoleucine at codon 1542 of the CACNA1H protein (p.Val1542Ile). The valine residue is highly conserved and there is a small physicochemical difference between valine and isoleucine.

NM_021098.3(CACNA1H):c.4624G>A (p.Val1542Ile)

Gene: CACNA1H (calcium voltage-gated channel subunit alpha1 H; plus strand). Cytogenetic location: 16p13.3.
Variant type: single nucleotide variant.
Coding change: c.4624G>A on transcript NM_021098.3 (MANE Select); coding-DNA position 4624, G replaced by A.
Protein change: p.Val1542Ile; replaces valine 1542 with isoleucine.
Molecular consequence: missense variant.
Genome position (GRCh38, 1-based): chr16:1,212,003, G>A. VCF-style: chr16-1212003-G-A. GRCh37 (hg19) VCF-style: chr16-1262003-G-A.
Other names: c.4624G>A, p.Val1542Ile (NM_001005407.2); short protein forms V1542I.
Identifiers: ClinVar variation 529590 (VCV000529590.9), dbSNP rs745495784, ClinGen allele CA7801467.